The following is an entry in ClinVar:

NM_000210.4(ITGA6):c.1487+7A>G

Genes: ITGA6 (integrin subunit alpha 6; plus strand), PDK1-AS1 (PDK1 and ITGA6 antisense RNA 1; minus strand). Cytogenetic location: 2q31.1.
Variant type: single nucleotide variant.
Coding change: c.1487+7A>G on transcript NM_000210.4 (MANE Select); 7 bases into the intron after coding-DNA position 1487, A replaced by G.
Molecular consequence: intron variant.
Genome position (GRCh38, 1-based): chr2:172,479,746, A>G. VCF-style: chr2-172479746-A-G. GRCh37 (hg19) VCF-style: chr2-173344474-A-G.
Other names: c.1130+7A>G (NM_001316306.2); c.1487+7A>G (NM_001079818.3, NM_001365530.2, NM_001365529.2).
Identifiers: ClinVar variation 332365 (VCV000332365.17), dbSNP rs1920979, ClinGen allele CA1968140.

ClinVar aggregate classification (germline): Benign. Review status: criteria provided, multiple submitters, no conflicts (2 of 4 stars). 5 submissions from 5 submitters: Benign (5). Last evaluated 2026-02-04.

Conditions:
Junctional epidermolysis bullosa with pyloric atresia. Also called: ITGB4-Related Epidermolysis Bullosa with Pyloric Atresia; ITGA6-Related Epidermolysis Bullosa with Pyloric Atresia; EPIDERMOLYSIS BULLOSA, JUNCTIONAL 5B, WITH PYLORIC ATRESIA; APLASIA CUTIS CONGENITA WITH GASTROINTESTINAL ATRESIA; CARMI SYNDROME; EB-PA-ACC. Identifiers: Orphanet 79403, MedGen C5676875, MONDO:0009183, OMIM 226730.

Allele frequency attached by ClinVar (database versions not stated): gnomAD 0.39682 and 0.39869; TOPMed 0.40597; 1000 Genomes Project 0.40715; ESP Exome Variant Server 0.40812; 1000 Genomes Project 30x 0.41209.
gnomAD v4.1: 587,429 of 1,608,720 alleles (37%); highest among the groups gnomAD compares: African/African-American, 52%; 108,980 homozygotes.

Submissions (5):

Labcorp Genetics (formerly Invitae), Labcorp
Classification: Benign. Last evaluated: 2026-02-04. Review status: criteria provided, single submitter. Criteria: Invitae Variant Classification Sherloc (09022015). Collection method: clinical testing. Allele origin: germline.

Genome-Nilou Lab
Classification: Benign for Junctional epidermolysis bullosa with pyloric atresia. Last evaluated: 2021-08-19. Review status: criteria provided, single submitter. Criteria: ACMG Guidelines, 2015. Collection method: clinical testing. Allele origin: germline. Affected: no.

Illumina Laboratory Services, Illumina
Classification: Benign for Junctional epidermolysis bullosa with pyloric atresia. Last evaluated: 2018-01-13. Review status: criteria provided, single submitter. Criteria: ICSL Variant Classification Criteria 13 December 2019. Collection method: clinical testing. Allele origin: germline.
Comment: This variant was observed in the ICSL laboratory as part of a predisposition screen in an ostensibly healthy population. It had not been previously curated by ICSL or reported in the Human Gene Mutation Database (HGMD: prior to June 1st, 2018), and was therefore a candidate for classification through an automated scoring system. Utilizing variant allele frequency, disease prevalence and penetrance estimates, and inheritance mode, an automated score was calculated to assess if this variant is too frequent to cause the disease. Based on the score and internal cut-off values, a variant classified as benign is not then subjected to further curation. The score for this variant resulted in a classification of benign for this disease.

GeneDx
Classification: Benign. Last evaluated: 2015-03-03. Review status: criteria provided, single submitter. Criteria: GeneDx Variant Classification Process June 2021. Collection method: clinical testing. Allele origin: germline. Affected: yes.

Breakthrough Genomics
Classification: Benign. Review status: criteria provided, single submitter. Criteria: ACMG Guidelines, 2015. Collection method: not provided. Allele origin: germline. Inheritance: Autosomal recessive inheritance. Affected: yes.